The following is an entry in ClinVar:

ClinVar aggregate classification (germline): Uncertain significance (1 of 4 stars; one submission).

Conditions:
Chuvash polycythemia. Also called: POLYCYTHEMIA, VHL-DEPENDENT. Identifiers: Orphanet 238557, MedGen C1837915, MONDO:0009892, OMIM 263400.
Von Hippel-Lindau syndrome (VHLS). Also called: Von Hippel-Lindau; von Hippel–Lindau syndrome; VHL syndrome. Identifiers: Orphanet 892, MedGen C0019562, MONDO:0008667, OMIM 193300. Disease mechanism: loss of function.

Allele frequency attached by ClinVar (database versions not stated): gnomAD exomes below 0.00001.
gnomAD v4.1: 4 of 1,588,516 alleles (0.00025%); highest among the groups gnomAD compares: Non-Finnish European, 0.00034%; no homozygotes.

Submission:

Labcorp Genetics (formerly Invitae), Labcorp
Classification: Uncertain significance for Von Hippel-Lindau syndrome; Chuvash polycythemia. Last evaluated: 2021-04-10. Review status: criteria provided, single submitter. Criteria: Invitae Variant Classification Sherloc (09022015). Collection method: clinical testing. Allele origin: germline.
Comment: This sequence change replaces glutamic acid with glutamine at codon 55 of the VHL protein (p.Glu55Gln). The glutamic acid residue is moderately conserved and there is a small physicochemical difference between glutamic acid and glutamine. This variant is not present in population databases (ExAC no frequency). This variant has not been reported in the literature in individuals with VHL-related conditions. Algorithms developed to predict the effect of missense changes on protein structure and function (SIFT, PolyPhen-2, Align-GVGD) all suggest that this variant is likely to be tolerated, but these predictions have not been confirmed by published functional studies and their clinical significance is uncertain. In summary, the available evidence is currently insufficient to determine the role of this variant in disease. Therefore, it has been classified as a Variant of Uncertain Significance.

NM_000551.4(VHL):c.163G>C (p.Glu55Gln)

Gene: VHL (von Hippel-Lindau tumor suppressor; plus strand). Cytogenetic location: 3p25.3.
Variant type: single nucleotide variant.
Coding change: c.163G>C on transcript NM_000551.4 (MANE Select); coding-DNA position 163, G replaced by C.
Protein change: p.Glu55Gln; replaces glutamic acid 55 with glutamine.
Molecular consequence: missense variant.
Genome position (GRCh38, 1-based): chr3:10,142,010, G>C. VCF-style: chr3-10142010-G-C. GRCh37 (hg19) VCF-style: chr3-10183694-G-C.
Other names: c.163G>C, p.Glu55Gln (NM_001354723.2, NM_198156.3); short protein forms E55Q.
Identifiers: ClinVar variation 1375111 (VCV001375111.7), dbSNP rs2125124873, ClinGen allele CA351748491.
Genomic context (GRCh38, chr3:10,142,010, plus strand): 5'-GCCGAGGAGTCCGGCCCGGAAGAGTCCGGCCCGGAGGAACTGGGCGCCGAGGAGGAGATG[G>C]AGGCCGGGCGGCCGCGGCCCGTGCTGCGCTCGGTGAACTCGCGCGAGCCCTCCCAGGTCA-3'
Protein context (NP_000542.1, residues 45-65): PEELGAEEEM[Glu55Gln]AGRPRPVLRS